The following is an entry in ClinVar:

ClinVar aggregate classification (germline): Uncertain significance (1 of 4 stars; one submission).

Conditions:
MYCBP2-related disorder. Also called: MYCBP2-related condition.

Submission:

PreventionGenetics, part of Exact Sciences
Classification: Uncertain significance for MYCBP2-related condition. Last evaluated: 2026-08-20. Review status: criteria provided, single submitter. Criteria: ACMG Guidelines, 2015. Collection method: clinical testing. Allele origin: germline.
Comment: The MYCBP2 c.4132C>T variant is predicted to result in premature protein termination (p.Gln1378*). To our knowledge, this variant has not been reported in the literature or in a large population database (gnomAD), indicating this variant is rare. At this time, loss-of-function variants in MYCBP2 are not an established mechanism of disease. Although we suspect that this variant may be pathogenic, at this time, the clinical significance of this variant is uncertain due to the absence of conclusive functional and genetic evidence.

NM_015057.5(MYCBP2):c.4132C>T (p.Gln1378Ter)

Gene: MYCBP2 (MYC binding protein 2; minus strand). Cytogenetic location: 13q22.3.
Variant type: single nucleotide variant.
Coding change: c.4132C>T on transcript NM_015057.5 (MANE Select); coding-DNA position 4132, C replaced by T.
Protein change: p.Gln1378Ter; replaces glutamine 1378 with a stop codon.
Molecular consequence: nonsense.
Genome position (GRCh38, 1-based): chr13:77,190,274, G>A on the plus strand (C>T on the coding strand, the complement: MYCBP2 is on the minus strand). VCF-style: chr13-77190274-G-A. GRCh37 (hg19) VCF-style: chr13-77764409-G-A.
Other names: short protein forms Q1378*.
Identifiers: ClinVar variation 4992066 (VCV004992066.1).